The following is an entry in ClinVar:

ClinVar aggregate classification (germline): Uncertain significance. Review status: criteria provided, multiple submitters, no conflicts (2 of 4 stars). 2 submissions from 2 submitters: Uncertain significance (2). Last evaluated 2019-02-08.

Submissions (2):

Revvity Omics, Revvity
Classification: Uncertain significance. Last evaluated: 2019-02-08. Review status: criteria provided, single submitter. Criteria: ACMG Guidelines, 2015. Collection method: clinical testing. Allele origin: germline.

GeneDx
Classification: Uncertain significance. Last evaluated: 2016-10-03. Review status: criteria provided, single submitter. Criteria: GeneDx Variant Classification (06012015). Collection method: clinical testing. Allele origin: germline. Affected: yes.
Comment: Missense variants in the TTN gene are considered 'unclassified' if they are not previously reported in the literature and do not have >1% frequency in the population to be considered a polymorphism. Research indicates that truncating mutations in the TTN gene are expected to account for approximately 25% of familial and 18% of sporadic idiopathic DCM; however, truncating variants in the TTN gene have been reported in approximately 3% of reported control alleles. There has been little investigation into non-truncating variants. (Herman D et al. Truncations of titin causing dilated cardiomyopathy. N Eng J Med 366:619-628, 2012) The variant is found in CARDIOMYOPATHY panel(s).

NM_001267550.2(TTN):c.100582A>G (p.Lys33528Glu)

Genes: TTN (titin; minus strand), TTN-AS1 (TTN antisense RNA 1; plus strand). Cytogenetic location: 2q31.2.
Variant type: single nucleotide variant.
Coding change: c.100582A>G on transcript NM_001267550.2 (MANE Select); coding-DNA position 100582, A replaced by G.
Protein change: p.Lys33528Glu; replaces lysine 33528 with glutamic acid.
Molecular consequence: missense variant.
Genome position (GRCh38, 1-based): chr2:178,536,165, T>C on the plus strand (A>G on the coding strand, the complement: TTN is on the minus strand). VCF-style: chr2-178536165-T-C. GRCh37 (hg19) VCF-style: chr2-179400892-T-C.
Other names: p.K31887E:AAA>GAA; c.95659A>G, p.Lys31887Glu (NM_001256850.1); c.73387A>G, p.Lys24463Glu (NM_003319.4); c.92878A>G, p.Lys30960Glu (NM_133378.4); c.73762A>G, p.Lys24588Glu (NM_133432.3); c.73963A>G, p.Lys24655Glu (NM_133437.4); short protein forms K31887E, K33528E, K24463E, K24655E, K30960E, K24588E.
Identifiers: ClinVar variation 203060 (VCV000203060.5), dbSNP rs794729559, ClinGen allele CA311118.
Genomic context (GRCh38, chr2:178,536,165, plus strand): 5'-ATTCTTGAATCCTATATTTTAATCCATCTGCAATGATTTCTTTGCCTTGTCTGTACCATT[T>C]GACGATAGGTTTTGGATGACCAGTCACTTTGCAGACCAAGGTAGCATTGCTCTGATATCT-3'
Protein context (NP_001254479.2, residues 33518-33538): KVTGHPKPIV[Lys33528Glu]WYRQGKEIIA